The following is an entry in ClinVar:

ClinVar aggregate classification (germline): Uncertain significance (1 of 4 stars; one submission).

Conditions:
Familial focal epilepsy with variable foci (FPEVF). Identifiers: Orphanet 98820, MedGen C1858477, MONDO:0020310.

Submission:

Labcorp Genetics (formerly Invitae), Labcorp
Classification: Uncertain significance for Familial focal epilepsy with variable foci. Last evaluated: 2026-01-11. Review status: criteria provided, single submitter. Criteria: Invitae Variant Classification Sherloc (09022015). Collection method: clinical testing. Allele origin: germline.
Comment: This sequence change replaces cysteine, which is neutral and slightly polar, with arginine, which is basic and polar, at codon 1370 of the DEPDC5 protein (p.Cys1370Arg). This variant is not present in population databases (gnomAD no frequency). This variant has not been reported in the literature in individuals affected with DEPDC5-related conditions. Experimental studies and prediction algorithms are not available or were not evaluated, and the functional significance of this variant is currently unknown. In summary, the available evidence is currently insufficient to determine the role of this variant in disease. Therefore, it has been classified as a Variant of Uncertain Significance.

NM_001242896.3(DEPDC5):c.4108T>C (p.Cys1370Arg)

Gene: DEPDC5 (DEP domain containing 5, GATOR1 subcomplex subunit; plus strand). Cytogenetic location: 22q12.3.
Variant type: single nucleotide variant.
Coding change: c.4108T>C on transcript NM_001242896.3 (MANE Select); coding-DNA position 4108, T replaced by C.
Protein change: p.Cys1370Arg; replaces cysteine 1370 with arginine.
Molecular consequence: missense variant. On other transcripts: non-coding transcript variant (5).
Genome position (GRCh38, 1-based): chr22:31,893,656, T>C. VCF-style: chr22-31893656-T-C. GRCh37 (hg19) VCF-style: chr22-32289642-T-C.
Other names: c.4081T>C, p.Cys1361Arg (NM_001136029.4); c.3808T>C, p.Cys1270Arg (NM_001242897.2); c.4042T>C, p.Cys1348Arg (NM_001363852.2, NM_001364320.2); c.3874T>C, p.Cys1292Arg (NM_001363854.2, NM_001364319.2); c.4108T>C, p.Cys1370Arg (NM_001364318.2); c.4024T>C, p.Cys1342Arg (NM_001369901.1, NM_001369902.1); c.4015T>C, p.Cys1339Arg (NM_001369903.1, NM_014662.6); short protein forms C1270R, C1342R, C1370R, C1348R, C1361R, C1292R, C1339R.
Identifiers: ClinVar variation 4734743 (VCV004734743.1).